The following is an entry in ClinVar:

NM_007209.4(RPL35):c.104A>G (p.Lys35Arg)

Gene: RPL35 (ribosomal protein L35; minus strand). Cytogenetic location: 9q33.3.
Variant type: single nucleotide variant.
Coding change: c.104A>G on transcript NM_007209.4 (MANE Select); coding-DNA position 104, A replaced by G.
Protein change: p.Lys35Arg; replaces lysine 35 with arginine.
Molecular consequence: missense variant.
Genome position (GRCh38, 1-based): chr9:124,861,455, T>C on the plus strand (A>G on the coding strand, the complement: RPL35 is on the minus strand). VCF-style: chr9-124861455-T-C. GRCh37 (hg19) VCF-style: chr9-127623734-T-C.
Other names: short protein forms K35R.
Identifiers: ClinVar variation 2761888 (VCV002761888.3), dbSNP rs757754855, ClinGen allele CA374887177.

ClinVar aggregate classification (germline): Uncertain significance (1 of 4 stars; one submission).

Allele frequency attached by ClinVar (database versions not stated): gnomAD exomes below 0.00001; gnomAD 0.00001; TOPMed 0.00001.
gnomAD v4.1: 7 of 1,613,436 alleles (0.00043%); highest among the groups gnomAD compares: Admixed American, 0.0017%; no homozygotes.

Submission:

Labcorp Genetics (formerly Invitae), Labcorp
Classification: Uncertain significance. Last evaluated: 2023-08-04. Review status: criteria provided, single submitter. Criteria: Invitae Variant Classification Sherloc (09022015). Collection method: clinical testing. Allele origin: germline.
Comment: In summary, the available evidence is currently insufficient to determine the role of this variant in disease. Therefore, it has been classified as a Variant of Uncertain Significance. An algorithm developed to predict the effect of missense changes on protein structure and function (PolyPhen-2) suggests that this variant is likely to be disruptive. This variant has not been reported in the literature in individuals affected with RPL35-related conditions. This variant is present in population databases (no rsID available, gnomAD 0.003%). This sequence change replaces lysine, which is basic and polar, with arginine, which is basic and polar, at codon 35 of the RPL35 protein (p.Lys35Arg).